The following is an entry in ClinVar:

NM_001164508.2(NEB):c.13479T>A (p.Tyr4493Ter)

Gene: NEB (nebulin; minus strand). Cytogenetic location: 2q23.3.
Variant type: single nucleotide variant.
Coding change: c.13479T>A on transcript NM_001164508.2 (MANE Select); coding-DNA position 13479, T replaced by A.
Protein change: p.Tyr4493Ter; replaces tyrosine 4493 with a stop codon.
Molecular consequence: nonsense. On other transcripts: intron variant (1).
Genome position (GRCh38, 1-based): chr2:151,600,751, A>T on the plus strand (T>A on the coding strand, the complement: NEB is on the minus strand). VCF-style: chr2-151600751-A-T. GRCh37 (hg19) VCF-style: chr2-152457265-A-T.
Other names: c.13479T>A, p.Tyr4493Ter (NM_001164507.2, NM_001271208.2); c.11601+9058T>A (NM_004543.5); short protein forms Y4493*.
Identifiers: ClinVar variation 3643430 (VCV003643430.2).
Genomic context (GRCh38, chr2:151,600,751, plus strand): 5'-CTTGGCGCTGCGACAGCCAATGTAATGGCCTTTCTGTTTCTCATAAGCAGTTTTGTACAG[A>T]TACTGGTAGATGTGAACAGAAAATAGAAGAGTAATTTTTCCAAACCCACTTTTTCTAGAG-3'

ClinVar aggregate classification (germline): Pathogenic (1 of 4 stars; one submission).

Conditions:
Nemaline myopathy 2 (NEM2). Also called: Nemaline myopathy 2, autosomal recessive. Identifiers: MedGen C1850569, MONDO:0009725, OMIM 256030.

Submission:

Labcorp Genetics (formerly Invitae), Labcorp
Classification: Pathogenic for Nemaline myopathy 2. Last evaluated: 2024-02-26. Review status: criteria provided, single submitter. Criteria: Invitae Variant Classification Sherloc (09022015). Collection method: clinical testing. Allele origin: germline.
Comment: This variant occurs in a region of NEB (Exons 82-105) consisting of three highly homologous 8-exon repeat units (exons 82-89, exons 90-97, exons 98-105). Sequence variants in this region can be detected, but this assay cannot determine which of the three repeat units is affected, and zygosity is often ambiguous. All variants in this region are reported relative to the exon 82-89 repeat. The frequency data for this variant in the population databases (gnomAD) is considered unreliable due to the presence of homologous sequence, such as pseudogenes or paralogs, in the genome. This variant has not been reported in the literature in individuals affected with NEB-related conditions. For these reasons, this variant has been classified as Pathogenic.